The following is an entry in ClinVar:

NM_000287.4(PEX6):c.1519G>C (p.Val507Leu)

Gene: PEX6 (peroxisomal biogenesis factor 6; minus strand). Cytogenetic location: 6p21.1.
Variant type: single nucleotide variant.
Coding change: c.1519G>C on transcript NM_000287.4 (MANE Select); coding-DNA position 1519, G replaced by C.
Protein change: p.Val507Leu; replaces valine 507 with leucine.
Molecular consequence: missense variant. On other transcripts: non-coding transcript variant (1).
Genome position (GRCh38, 1-based): chr6:42,968,459, C>G on the plus strand (G>C on the coding strand, the complement: PEX6 is on the minus strand). VCF-style: chr6-42968459-C-G. GRCh37 (hg19) VCF-style: chr6-42936197-C-G.
Other names: c.1255G>C, p.Val419Leu (NM_001316313.2); short protein forms V419L, V507L.
Identifiers: ClinVar variation 1408959 (VCV001408959.8), dbSNP rs1355702643, ClinGen allele CA364154534.

ClinVar aggregate classification (germline): Uncertain significance (1 of 4 stars; one submission).

Conditions:
Peroxisome biogenesis disorder. Identifiers: Orphanet 79189, MedGen C1832200, MONDO:0019234. Disease mechanism: loss of function.

Submission:

Labcorp Genetics (formerly Invitae), Labcorp
Classification: Uncertain significance for Peroxisome biogenesis disorder. Last evaluated: 2026-01-19. Review status: criteria provided, single submitter. Criteria: Invitae Variant Classification Sherloc (09022015). Collection method: clinical testing. Allele origin: germline.
Comment: This sequence change replaces valine, which is neutral and non-polar, with leucine, which is neutral and non-polar, at codon 507 of the PEX6 protein (p.Val507Leu). This variant is not present in population databases (gnomAD no frequency). This variant has not been reported in the literature in individuals affected with PEX6-related conditions. ClinVar contains an entry for this variant (Variation ID: 1408959). Invitae Evidence Modeling of protein sequence and biophysical properties (such as structural, functional, and spatial information, amino acid conservation, physicochemical variation, residue mobility, and thermodynamic stability) indicates that this missense variant is not expected to disrupt PEX6 protein function with a negative predictive value of 95%. In summary, the available evidence is currently insufficient to determine the role of this variant in disease. Therefore, it has been classified as a Variant of Uncertain Significance.